The following is an entry in ClinVar:

NR_003051.4(RMRP):n.223G>T

Gene: RMRP (RNA component of mitochondrial RNA processing endoribonuclease; minus strand). Cytogenetic location: 9p13.3.
Variant type: single nucleotide variant.
Genome position: GRCh38 VCF-style: chr9-35657797-C-A. GRCh37 (hg19) VCF-style: chr9-35657794-C-A.
Identifiers: ClinVar variation 1802207 (VCV001802207.7), dbSNP rs924622406, ClinGen allele CA464450447.

ClinVar aggregate classification (germline): Uncertain significance. Review status: criteria provided, multiple submitters, no conflicts (2 of 4 stars). 3 submissions from 3 submitters: Uncertain significance (3). Last evaluated 2026-01-26.

Conditions:
Anauxetic dysplasia. Identifiers: Orphanet 93347, MedGen C1846796, MONDO:0011773.
Anauxetic dysplasia 1 (ANXD1). Also called: Anauxetic Dysplasia (AD). Identifiers: Orphanet 93347, MedGen C4551965, MONDO:0054560, OMIM 607095.
Metaphyseal chondrodysplasia, McKusick type (CHH). Also called: Cartilage-hair hypoplasia; Cartilage-Hair Hypoplasia (CHH). Identifiers: Orphanet 175, MedGen C0220748, MONDO:0009595, OMIM 250250.
Metaphyseal dysplasia without hypotrichosis. Also called: Metaphyseal Dysplasia without Hypotrichosis (MDWH); CARTILAGE-HAIR HYPOPLASIA VARIANT, SKELETAL MANIFESTATIONS ONLY; CARTILAGE-HAIR HYPOPLASIA-LIKE SKELETAL DYSPLASIA WITHOUT HYPOTRICHOSIS OR IMMUNODEFICIENCY. Identifiers: MedGen C1834821, MONDO:0009601, OMIM 250460.

gnomAD v4.1: 7 of 699,852 alleles (0.001%); highest among the groups gnomAD compares: East Asian, 0.011%; no homozygotes.

Submissions (3):

Labcorp Genetics (formerly Invitae), Labcorp
Classification: Uncertain significance for Anauxetic dysplasia. Last evaluated: 2026-01-26. Review status: criteria provided, single submitter. Criteria: Invitae Variant Classification Sherloc (09022015). Collection method: clinical testing. Allele origin: germline.
Comment: This variant occurs in the RMRP gene, which encodes an RNA molecule that does not result in a protein product. This variant is present in population databases (no rsID available, gnomAD 0.03%). This variant has not been reported in the literature in individuals affected with RMRP-related conditions. ClinVar contains an entry for this variant (Variation ID: 1802207). Experimental studies and prediction algorithms are not available or were not evaluated, and the functional significance of this variant is currently unknown. In summary, the available evidence is currently insufficient to determine the role of this variant in disease. Therefore, it has been classified as a Variant of Uncertain Significance.

Blueprint Genetics
Classification: Uncertain significance. Last evaluated: 2024-03-13. Review status: criteria provided, single submitter. Criteria: ACMG Guidelines, 2015. Collection method: clinical testing. Allele origin: germline.

Diagnostics Services (NGS), CSIR - Centre For Cellular And Molecular Biology
Classification: Uncertain significance for Anauxetic dysplasia 1; Metaphyseal chondrodysplasia, McKusick type; Metaphyseal dysplasia without hypotrichosis. Last evaluated: 2022-08-03. Review status: criteria provided, single submitter. Criteria: ACMG Guidelines, 2015. Collection method: clinical testing. Allele origin: unknown. Affected: yes. Observed: 1 variant allele, 1 heterozygote.
Comment: The n.222G>T variant is not present in publicly available databases like 1000 Genomes, EVS, ExAC and Indian Exome Database. The heterozygous state of the variant is present in gnomAD, at a low frequency. The variant is not present in our in-house exome database. The variant was not reported to ClinVar, HGMD and/or OMIM databases, in any affected individuals. An alternative variant at this position (n.222G>C) was previously reported to ClinVar as uncertain significance (Accession: VCV000837718.3), in association with RMRP-related disorders. In-silico pathogenicity prediction programs like CADD, DANN etc. predicted this variant to be likely deleterious, however these predictions were not confirmed by any published functional studies.